The following is an entry in ClinVar:

ClinVar aggregate classification (germline): Uncertain significance (1 of 4 stars; one submission).

Allele frequency attached by ClinVar (database versions not stated): ESP Exome Variant Server 0.00008; 1000 Genomes Project 30x 0.00016; 1000 Genomes Project 0.00020; ExAC 0.00021.
gnomAD v4.1: 259 of 1,614,174 alleles (0.016%); highest among the groups gnomAD compares: Non-Finnish European, 0.02%; no homozygotes.

Submissions (2):

Labcorp Genetics (formerly Invitae), Labcorp
Classification: Uncertain significance. Last evaluated: 2025-11-29. Review status: criteria provided, single submitter. Criteria: Invitae Variant Classification Sherloc (09022015). Collection method: clinical testing. Allele origin: germline.
Comment: This sequence change replaces glutamic acid, which is acidic and polar, with lysine, which is basic and polar, at codon 466 of the ARHGEF10 protein (p.Glu466Lys). This variant is present in population databases (rs143508005, gnomAD 0.03%). This variant has not been reported in the literature in individuals affected with ARHGEF10-related conditions. ClinVar contains an entry for this variant (Variation ID: 2742772). Invitae Evidence Modeling of protein sequence and biophysical properties (such as structural, functional, and spatial information, amino acid conservation, physicochemical variation, residue mobility, and thermodynamic stability) indicates that this missense variant is not expected to disrupt ARHGEF10 protein function with a negative predictive value of 80%. In summary, the available evidence is currently insufficient to determine the role of this variant in disease. Therefore, it has been classified as a Variant of Uncertain Significance.

Dr. Peter K. Rogan Lab, Western University
No classification provided (evidence only). Condition: Thyroid cancer, nonmedullary, 1. Review status: no classification provided. Collection method: in vitro. Allele origin: not applicable. Functional consequence: retained intron. Not counted in ClinVar's aggregate classification.

NM_014629.4(ARHGEF10):c.1396G>A (p.Glu466Lys)

Gene: ARHGEF10 (Rho guanine nucleotide exchange factor 10; plus strand). Cytogenetic location: 8p23.3.
Variant type: single nucleotide variant.
Coding change: c.1396G>A on transcript NM_014629.4 (MANE Select); coding-DNA position 1396, G replaced by A.
Protein change: p.Glu466Lys; replaces glutamic acid 466 with lysine.
Molecular consequence: missense variant.
Genome position (GRCh38, 1-based): chr8:1,894,528, G>A. VCF-style: chr8-1894528-G-A. GRCh37 (hg19) VCF-style: chr8-1842694-G-A.
Other names: c.1282G>A, p.Glu428Lys (NM_001308152.2); c.1399G>A, p.Glu467Lys (NM_001308153.3); short protein forms E428K, E491K, E466K, E467K.
Identifiers: ClinVar variation 2742772 (VCV002742772.4), dbSNP rs143508005, ClinGen allele CA4600346.